The following is an entry in ClinVar:

NM_005202.4(COL8A2):c.446G>A (p.Arg149Gln)

Gene: COL8A2 (collagen type VIII alpha 2 chain; minus strand). Cytogenetic location: 1p34.3.
Variant type: single nucleotide variant.
Coding change: c.446G>A on transcript NM_005202.4 (MANE Select); coding-DNA position 446, G replaced by A.
Protein change: p.Arg149Gln; replaces arginine 149 with glutamine.
Molecular consequence: missense variant.
Genome position (GRCh38, 1-based): chr1:36,099,235, C>T on the plus strand (G>A on the coding strand, the complement: COL8A2 is on the minus strand). VCF-style: chr1-36099235-C-T. GRCh37 (hg19) VCF-style: chr1-36564836-C-T.
Other names: c.446G>A (NM_005202.2); c.251G>A, p.Arg84Gln (NM_001294347.2); short protein forms R84Q, R149Q.
Identifiers: ClinVar variation 1910194 (VCV001910194.6), dbSNP rs895914843, ClinGen allele CA20705933.

ClinVar aggregate classification (germline): Uncertain significance. Review status: criteria provided, multiple submitters, no conflicts (2 of 4 stars). 2 submissions from 2 submitters: Uncertain significance (2). Last evaluated 2024-06-28.

Conditions:
Inborn genetic diseases. Identifiers: MedGen C0950123, MeSH D030342.

Allele frequency attached by ClinVar (database versions not stated): gnomAD exomes 0.00001.

Submissions (2):

Ambry Genetics
Classification: Uncertain significance for Inborn genetic diseases. Last evaluated: 2024-06-28. Review status: criteria provided, single submitter. Criteria: Ambry Variant Classification Scheme 2023. Collection method: clinical testing. Allele origin: germline.

Labcorp Genetics (formerly Invitae), Labcorp
Classification: Uncertain significance. Last evaluated: 2024-04-22. Review status: criteria provided, single submitter. Criteria: Invitae Variant Classification Sherloc (09022015). Collection method: clinical testing. Allele origin: germline.
Comment: This sequence change replaces arginine, which is basic and polar, with glutamine, which is neutral and polar, at codon 149 of the COL8A2 protein (p.Arg149Gln). This variant is present in population databases (no rsID available, gnomAD 0.004%). This variant has not been reported in the literature in individuals affected with COL8A2-related conditions. ClinVar contains an entry for this variant (Variation ID: 1910194). Experimental studies and prediction algorithms are not available or were not evaluated, and the functional significance of this variant is currently unknown. In summary, the available evidence is currently insufficient to determine the role of this variant in disease. Therefore, it has been classified as a Variant of Uncertain Significance.